The following is an entry in ClinVar:

ClinVar aggregate classification (germline): Conflicting classifications of pathogenicity. Review status: criteria provided, conflicting classifications (1 of 4 stars). 3 submissions from 3 submitters: Uncertain significance (1); Benign (1); Likely benign (1). Last evaluated 2025-02-16.

Allele frequency attached by ClinVar (database versions not stated): ExAC 0.00001; gnomAD 0.00001 and 0.00002; gnomAD exomes 0.00001 and 0.00002; TOPMed 0.00002.
gnomAD v4.1: 26 of 1,613,336 alleles (0.0016%); highest among the groups gnomAD compares: East Asian, 0.013%; no homozygotes.

Submissions (3):

Laboratory of Genetics, Children's Clinical University Hospital Latvia
Classification: Benign. Last evaluated: 2025-02-16. Review status: criteria provided, single submitter. Criteria: ACMG Guidelines, 2015. Collection method: clinical testing. Allele origin: germline. Affected: yes.

Labcorp Genetics (formerly Invitae), Labcorp
Classification: Uncertain significance. Last evaluated: 2024-08-12. Review status: criteria provided, single submitter. Criteria: Invitae Variant Classification Sherloc (09022015). Collection method: clinical testing. Allele origin: germline.
Comment: This sequence change replaces glutamic acid, which is acidic and polar, with lysine, which is basic and polar, at codon 721 of the SIX5 protein (p.Glu721Lys). This variant is present in population databases (rs750672211, gnomAD 0.006%). This variant has not been reported in the literature in individuals affected with SIX5-related conditions. ClinVar contains an entry for this variant (Variation ID: 1524148). An algorithm developed to predict the effect of missense changes on protein structure and function (PolyPhen-2) suggests that this variant is likely to be disruptive. In summary, the available evidence is currently insufficient to determine the role of this variant in disease. Therefore, it has been classified as a Variant of Uncertain Significance.

Ambry Genetics
Classification: Likely benign. Last evaluated: 2024-05-28. Review status: criteria provided, single submitter. Criteria: Ambry Variant Classification Scheme 2023. Collection method: clinical testing. Allele origin: germline.

NM_175875.5(SIX5):c.2161G>A (p.Glu721Lys)

Gene: SIX5 (SIX homeobox 5; minus strand). Cytogenetic location: 19q13.32.
Variant type: single nucleotide variant.
Coding change: c.2161G>A on transcript NM_175875.5 (MANE Select); coding-DNA position 2161, G replaced by A.
Protein change: p.Glu721Lys; replaces glutamic acid 721 with lysine.
Molecular consequence: missense variant.
Genome position (GRCh38, 1-based): chr19:45,765,560, C>T on the plus strand (G>A on the coding strand, the complement: SIX5 is on the minus strand). VCF-style: chr19-45765560-C-T. GRCh37 (hg19) VCF-style: chr19-46268818-C-T.
Other names: c.2161G>A (NM_175875.4); short protein forms E721K.
Identifiers: ClinVar variation 1524148 (VCV001524148.8), dbSNP rs750672211, ClinGen allele CA9520399.